The following is an entry in ClinVar:

NM_002578.5(PAK3):c.-473G>C

Genes: PAK3 (p21 (RAC1) activated kinase 3; plus strand), LOC130068561 (ATAC-STARR-seq lymphoblastoid silent region 20943; plus strand). Cytogenetic location: Xq23.
Variant type: single nucleotide variant.
Coding change: c.-473G>C on transcript NM_002578.5 (MANE Select); 473 bases upstream of the start codon, G replaced by C.
Molecular consequence: 5 prime UTR variant. On other transcripts: non-coding transcript variant (8), intron variant (4).
Genome position (GRCh38, 1-based): chrX:111,096,295, G>C. VCF-style: chrX-111096295-G-C. GRCh37 (hg19) VCF-style: chrX-110339523-G-C.
Other names: c.-476G>C (NM_001128168.3, NM_001128173.3, NM_001324332.2); c.-258G>C (NM_001324326.2, NM_001324328.2); c.-325G>C (NM_001324327.2, NM_001324331.2); c.-473G>C (NM_001324329.2); c.-406G>C (NM_001324333.2, NM_001324334.2); c.-27-26782G>C (NM_001128166.3, NM_001128167.3); c.-178-6861G>C (NM_001324325.2); c.-175-6864G>C (NM_001324330.2).
Identifiers: ClinVar variation 914022 (VCV000914022.28), dbSNP rs962885211, ClinGen allele CA334396878.

ClinVar aggregate classification (germline): Conflicting classifications of pathogenicity. Review status: criteria provided, conflicting classifications (1 of 4 stars). 2 submissions from 2 submitters: Uncertain significance (1); Likely benign (1). Last evaluated 2023-07-01.

Conditions:
Intellectual developmental disorder, X-linked 30. Also called: Intellectual disability, X-linked 30; MENTAL RETARDATION, X-LINKED 47. Identifiers: Orphanet 777, MedGen C0796237, MONDO:0010361, OMIM 300558.

Allele frequency attached by ClinVar (database versions not stated): gnomAD 0.00091 and 0.00093; TOPMed 0.00097.

Submissions (2):

CeGaT Center for Human Genetics Tuebingen
Classification: Likely benign. Last evaluated: 2023-07-01. Review status: criteria provided, single submitter. Criteria: CeGaT Center For Human Genetics Tuebingen Variant Classification Criteria Version 2. Collection method: clinical testing. Allele origin: germline. Affected: yes. Observed: 2 variant alleles.
Comment: PAK3: BS2

Illumina Laboratory Services, Illumina
Classification: Uncertain significance for Intellectual developmental disorder, X-linked 30. Last evaluated: 2018-01-12. Review status: criteria provided, single submitter. Criteria: ICSL Variant Classification Criteria 13 December 2019. Collection method: clinical testing. Allele origin: germline.